The following is an entry in ClinVar:

NM_000090.4(COL3A1):c.1761+1G>A

Gene: COL3A1 (collagen type III alpha 1 chain; plus strand). Cytogenetic location: 2q32.2.
Variant type: single nucleotide variant.
Coding change: c.1761+1G>A on transcript NM_000090.4 (MANE Select); the canonical splice donor site of the intron after coding-DNA position 1761, G replaced by A.
Molecular consequence: splice donor variant.
Genome position (GRCh38, 1-based): chr2:188,996,497, G>A. VCF-style: chr2-188996497-G-A. GRCh37 (hg19) VCF-style: chr2-189861223-G-A.
Identifiers: ClinVar variation 1458343 (VCV001458343.8), dbSNP rs1688322811, ClinGen allele CA349852926.

ClinVar aggregate classification (germline): Pathogenic (1 of 4 stars; one submission).

Conditions:
Ehlers-Danlos syndrome, type 4 (EDSVASC). Also called: Ehlers-Danlos syndrome vascular type; Ehlers Danlos syndrome, ecchymotic type; Ehlers Danlos syndrome, arterial type; Ehlers Danlos syndrome, Sack-Barabas type; Ehlers-Danlos Syndrome Type IV. Identifiers: Orphanet 286, MedGen C0268338, MONDO:0017314, OMIM 130050.

Submission:

Labcorp Genetics (formerly Invitae), Labcorp
Classification: Pathogenic for Ehlers-Danlos syndrome, type 4. Last evaluated: 2024-10-24. Review status: criteria provided, single submitter. Criteria: Invitae Variant Classification Sherloc (09022015). Collection method: clinical testing. Allele origin: germline.
Comment: This sequence change affects a donor splice site in intron 24 of the COL3A1 gene. It is expected to disrupt RNA splicing. Variants that disrupt the donor or acceptor splice site typically lead to a loss of protein function (PMID: 16199547), and loss-of-function variants in COL3A1 are known to be pathogenic (PMID: 24922459). This variant is not present in population databases (gnomAD no frequency). Disruption of this splice site has been observed in individuals with Ehlers-Danlos syndrome (PMID: 22019127, 29381997, 30474650). ClinVar contains an entry for this variant (Variation ID: 1458343). Algorithms developed to predict the effect of sequence changes on RNA splicing suggest that this variant may disrupt the consensus splice site. For these reasons, this variant has been classified as Pathogenic.

Literature cited by the submitters: PubMed 16199547; PubMed 24922459; PubMed 22019127; PubMed 29381997; PubMed 30474650.